The following is an entry in ClinVar:

NM_000426.4(LAMA2):c.3735+5G>A

Gene: LAMA2 (laminin subunit alpha 2; plus strand). Cytogenetic location: 6q22.33.
Variant type: single nucleotide variant.
Coding change: c.3735+5G>A on transcript NM_000426.4 (MANE Select); 5 bases into the intron after coding-DNA position 3735, G replaced by A.
Molecular consequence: intron variant.
Genome position (GRCh38, 1-based): chr6:129,315,660, G>A. VCF-style: chr6-129315660-G-A. GRCh37 (hg19) VCF-style: chr6-129636805-G-A.
Other names: c.3735+5G>A (NM_001079823.2).
Identifiers: ClinVar variation 2133704 (VCV002133704.4), dbSNP rs1774543679, ClinGen allele CA1663080129.

ClinVar aggregate classification (germline): Uncertain significance (1 of 4 stars; one submission).

Conditions:
LAMA2-related muscular dystrophy (LAMA2-RD). Also called: Laminin alpha 2-related dystrophy. Identifiers: MedGen C5679788, MONDO:0100228.

Submission:

Labcorp Genetics (formerly Invitae), Labcorp
Classification: Uncertain significance for LAMA2-related muscular dystrophy. Last evaluated: 2022-09-14. Review status: criteria provided, single submitter. Criteria: Invitae Variant Classification Sherloc (09022015). Collection method: clinical testing. Allele origin: germline.
Comment: This sequence change falls in intron 25 of the LAMA2 gene. It does not directly change the encoded amino acid sequence of the LAMA2 protein. It affects a nucleotide within the consensus splice site. This variant is not present in population databases (gnomAD no frequency). This variant has not been reported in the literature in individuals affected with LAMA2-related conditions. Variants that disrupt the consensus splice site are a relatively common cause of aberrant splicing (PMID: 17576681, 9536098). Algorithms developed to predict the effect of sequence changes on RNA splicing suggest that this variant is not likely to affect RNA splicing. In summary, the available evidence is currently insufficient to determine the role of this variant in disease. Therefore, it has been classified as a Variant of Uncertain Significance.

Literature cited by the submitters: PubMed 17576681; PubMed 9536098.